The following is an entry in ClinVar:

ClinVar aggregate classification (germline): Uncertain significance (1 of 4 stars; one submission).

Conditions:
Acromesomelic dysplasia 1, Maroteaux type (AMD1). Also called: ST. HELENA DYSPLASIA; ACROMESOMELIC DYSPLASIA 1. Identifiers: Orphanet 40, MedGen C1864356, MONDO:0011275, OMIM 602875.
Tall stature-scoliosis-macrodactyly of the great toes syndrome. Also called: Epiphyseal chondrodysplasia, miura type. Identifiers: Orphanet 329191, MedGen C4014690, MONDO:0014401, OMIM 615923.

Submission:

Labcorp Genetics (formerly Invitae), Labcorp
Classification: Uncertain significance for Tall stature-scoliosis-macrodactyly of the great toes syndrome; Acromesomelic dysplasia 1, Maroteaux type. Last evaluated: 2023-12-21. Review status: criteria provided, single submitter. Criteria: Invitae Variant Classification Sherloc (09022015). Collection method: clinical testing. Allele origin: germline.
Comment: This sequence change replaces aspartic acid, which is acidic and polar, with glutamic acid, which is acidic and polar, at codon 676 of the NPR2 protein (p.Asp676Glu). This variant is not present in population databases (gnomAD no frequency). This variant has not been reported in the literature in individuals affected with NPR2-related conditions. Advanced modeling of protein sequence and biophysical properties (such as structural, functional, and spatial information, amino acid conservation, physicochemical variation, residue mobility, and thermodynamic stability) performed at Invitae indicates that this missense variant is not expected to disrupt NPR2 protein function with a negative predictive value of 80%. In summary, the available evidence is currently insufficient to determine the role of this variant in disease. Therefore, it has been classified as a Variant of Uncertain Significance.

NM_003995.4(NPR2):c.2028C>A (p.Asp676Glu)

Gene: NPR2 (natriuretic peptide receptor 2; plus strand). Cytogenetic location: 9p13.3.
Variant type: single nucleotide variant.
Coding change: c.2028C>A on transcript NM_003995.4 (MANE Select); coding-DNA position 2028, C replaced by A.
Protein change: p.Asp676Glu; replaces aspartic acid 676 with glutamic acid.
Molecular consequence: missense variant.
Genome position (GRCh38, 1-based): chr9:35,805,651, C>A. VCF-style: chr9-35805651-C-A. GRCh37 (hg19) VCF-style: chr9-35805648-C-A.
Other names: c.2037C>A, p.Asp679Glu (NM_001378923.1); short protein forms D679E, D676E.
Identifiers: ClinVar variation 2940793 (VCV002940793.3), dbSNP rs1828341428, ClinGen allele CA373377020.
Genomic context (GRCh38, chr9:35,805,651, plus strand): 5'-TGTGCTCAAAATCACAGACTATGGCCTGGCCAGCTTCCGATCAACTGCTGAACCTGATGA[C>A]AGCCATGCCCTCTATGCCAGTGAGGCCCACCCCCACAACCCACTTTTTATATTGCTCCTC-3'
Protein context (NP_003986.2, residues 666-686): ASFRSTAEPD[Asp676Glu]SHALYAKKLW